The following is an entry in ClinVar:

ClinVar aggregate classification (germline): Uncertain significance (1 of 4 stars; one submission).

Allele frequency attached by ClinVar (database versions not stated): TOPMed below 0.00001.

Submission:

Ambry Genetics
Classification: Uncertain significance. Last evaluated: 2024-10-05. Review status: criteria provided, single submitter. Criteria: Ambry Variant Classification Scheme 2023. Collection method: clinical testing. Allele origin: germline.
Comment: The p.S623F variant (also known as c.1868C>T), located in coding exon 3 of the ALPK2 gene, results from a C to T substitution at nucleotide position 1868. The serine at codon 623 is replaced by phenylalanine, an amino acid with highly dissimilar properties. This amino acid position is conserved. In addition, this alteration is predicted to be tolerated by in silico analysis. Since supporting evidence is limited at this time, the clinical significance of this alteration remains unclear.

NM_052947.4(ALPK2):c.1868C>T (p.Ser623Phe)

Gene: ALPK2 (alpha kinase 2; minus strand). Cytogenetic location: 18q21.31.
Variant type: single nucleotide variant.
Coding change: c.1868C>T on transcript NM_052947.4 (MANE Select); coding-DNA position 1868, C replaced by T.
Protein change: p.Ser623Phe; replaces serine 623 with phenylalanine.
Molecular consequence: missense variant.
Genome position (GRCh38, 1-based): chr18:58,578,908, G>A on the plus strand (C>T on the coding strand, the complement: ALPK2 is on the minus strand). VCF-style: chr18-58578908-G-A. GRCh37 (hg19) VCF-style: chr18-56246140-G-A.
Other names: short protein forms S623F.
Identifiers: ClinVar variation 1781605 (VCV001781605.3), dbSNP rs2051938324, ClinGen allele CA402559726.